The following is an entry in ClinVar:

ClinVar aggregate classification (germline): Uncertain significance (1 of 4 stars; one submission).

Conditions:
Duchenne muscular dystrophy (DMD). Also called: MUSCULAR DYSTROPHY, PSEUDOHYPERTROPHIC PROGRESSIVE, DUCHENNE TYPE; Duchenne Muscular Dystrophy (DMD). Identifiers: Orphanet 98896, MedGen C0013264, MONDO:0010679, OMIM 310200.

Submission:

Labcorp Genetics (formerly Invitae), Labcorp
Classification: Uncertain significance for Duchenne muscular dystrophy. Last evaluated: 2024-03-16. Review status: criteria provided, single submitter. Criteria: Invitae Variant Classification Sherloc (09022015). Collection method: clinical testing. Allele origin: germline.
Comment: This sequence change falls in intron 42 of the DMD gene. It does not directly change the encoded amino acid sequence of the DMD protein. This variant is not present in population databases (gnomAD no frequency). This variant has not been reported in the literature in individuals affected with DMD-related conditions. Algorithms developed to predict the effect of sequence changes on RNA splicing suggest that this variant may disrupt the consensus splice site. In summary, the available evidence is currently insufficient to determine the role of this variant in disease. Therefore, it has been classified as a Variant of Uncertain Significance.

NM_004006.3(DMD):c.6118-14T>G

Gene: DMD (dystrophin; minus strand). Cytogenetic location: Xp21.1.
Variant type: single nucleotide variant.
Coding change: c.6118-14T>G on transcript NM_004006.3 (MANE Select); 14 bases into the intron before coding-DNA position 6118, T replaced by G.
Molecular consequence: intron variant.
Genome position (GRCh38, 1-based): chrX:32,287,715, A>C on the plus strand (T>G on the coding strand, the complement: DMD is on the minus strand). VCF-style: chrX-32287715-A-C. GRCh37 (hg19) VCF-style: chrX-32305832-A-C.
Other names: c.6094-14T>G (NM_000109.4); c.2095-14T>G (NM_004011.4); c.2086-14T>G (NM_004012.4); c.6106-14T>G (NM_004009.3); c.5749-14T>G (NM_004010.3).
Identifiers: ClinVar variation 3646165 (VCV003646165.2).